The following is an entry in ClinVar:

ClinVar aggregate classification (germline): Likely pathogenic (1 of 4 stars; one submission).

Submission:

Labcorp Genetics (formerly Invitae), Labcorp
Classification: Likely pathogenic. Last evaluated: 2023-11-28. Review status: criteria provided, single submitter. Criteria: Invitae Variant Classification Sherloc (09022015). Collection method: clinical testing. Allele origin: germline.
Comment: This variant results in the deletion of part of exon 5 (c.409_441+191delins38) of the PEPD gene. It is expected to disrupt RNA splicing. Variants that disrupt the donor or acceptor splice site typically lead to a loss of protein function (PMID: 16199547), and loss-of-function variants in PEPD are known to be pathogenic (PMID: 8198124, 10721675, 12384772, 17142620). This variant is not present in population databases (gnomAD no frequency). This variant has not been reported in the literature in individuals affected with PEPD-related conditions. In summary, the currently available evidence indicates that the variant is pathogenic, but additional data are needed to prove that conclusively. Therefore, this variant has been classified as Likely Pathogenic.

Literature cited by the submitters: PubMed 16199547; PubMed 8198124; PubMed 10721675; PubMed 12384772; PubMed 17142620.

NM_000285.4(PEPD):c.409_441+191delinsCATGCCGTGGGCCTTGACATGGGGCCCCAGCCTTTGCC

Gene: PEPD (peptidase D; minus strand). Cytogenetic location: 19q13.11.
Variant type: Indel.
Coding change: c.409_441+191delinsCATGCCGTGGGCCTTGACATGGGGCCCCAGCCTTTGCC on transcript NM_000285.4 (MANE Select); coding-DNA position 409 through 191 bases into the intron after coding-DNA position 441, the reference bases replaced by an inserted sequence.
Molecular consequence: splice donor variant.
Genome position (GRCh38, 1-based): chr19:33,493,099-33,493,322, 224 bases replaced. GRCh37 (hg19): chr19:33,984,005-33,984,228.
Other names: c.217_249+191delinsCATGCCGTGGGCCTTGACATGGGGCCCCAGCCTTTGCC (NM_001166057.2); c.409_441+191delinsCATGCCGTGGGCCTTGACATGGGGCCCCAGCCTTTGCC (NM_001166056.2).
Identifiers: ClinVar variation 2699606 (VCV002699606.3), dbSNP rs2513496574, ClinGen allele CA2697556441.